The following is an entry in ClinVar:

NM_030916.3(NECTIN4):c.1517G>A (p.Arg506Gln)

Gene: NECTIN4 (nectin cell adhesion molecule 4; minus strand). Cytogenetic location: 1q23.3.
Variant type: single nucleotide variant.
Coding change: c.1517G>A on transcript NM_030916.3 (MANE Select); coding-DNA position 1517, G replaced by A.
Protein change: p.Arg506Gln; replaces arginine 506 with glutamine.
Molecular consequence: missense variant.
Genome position (GRCh38, 1-based): chr1:161,072,677, C>T on the plus strand (G>A on the coding strand, the complement: NECTIN4 is on the minus strand). VCF-style: chr1-161072677-C-T. GRCh37 (hg19) VCF-style: chr1-161042467-C-T.
Other names: short protein forms R506Q.
Identifiers: ClinVar variation 3351152 (VCV003351152.1).

ClinVar aggregate classification (germline): Uncertain significance (0 of 4 stars; one submission).

Conditions:
NECTIN4-related disorder. Also called: NECTIN4-related condition.

gnomAD v4.1: 508 of 1,614,076 alleles (0.031%); highest among the groups gnomAD compares: Non-Finnish European, 0.041%; no homozygotes.

Submission:

PreventionGenetics, part of Exact Sciences
Classification: Uncertain significance for NECTIN4-related condition. Last evaluated: 2024-07-09. Review status: no assertion criteria provided. Collection method: clinical testing. Allele origin: germline.
Comment: The NECTIN4 c.1517G>A variant is predicted to result in the amino acid substitution p.Arg506Gln. To our knowledge, this variant has not been reported in the literature. This variant is reported in 0.020% of alleles in individuals of African descent in gnomAD. At this time, the clinical significance of this variant is uncertain due to the absence of conclusive functional and genetic evidence.